The following is an entry in ClinVar:

ClinVar aggregate classification (germline): Uncertain significance. Review status: criteria provided, multiple submitters, no conflicts (2 of 4 stars). 3 submissions from 3 submitters: Uncertain significance (3). Last evaluated 2025-11-10.

Conditions:
GPR143-related disorder. Also called: GPR143-related condition.

Submissions (3):

Labcorp Genetics (formerly Invitae), Labcorp
Classification: Uncertain significance. Last evaluated: 2025-11-10. Review status: criteria provided, single submitter. Criteria: Invitae Variant Classification Sherloc (09022015). Collection method: clinical testing. Allele origin: germline.
Comment: This sequence change replaces glycine, which is neutral and non-polar, with arginine, which is basic and polar, at codon 38 of the GPR143 protein (p.Gly38Arg). This variant is not present in population databases (gnomAD no frequency). This missense change has been observed in individual(s) with ocular albinism (internal data). ClinVar contains an entry for this variant (Variation ID: 2008846). Invitae Evidence Modeling of protein sequence and biophysical properties (such as structural, functional, and spatial information, amino acid conservation, physicochemical variation, residue mobility, and thermodynamic stability) indicates that this missense variant is not expected to disrupt GPR143 protein function with a negative predictive value of 95%. In summary, the available evidence is currently insufficient to determine the role of this variant in disease. Therefore, it has been classified as a Variant of Uncertain Significance.

PreventionGenetics, part of Exact Sciences
Classification: Uncertain significance for GPR143-related condition. Last evaluated: 2024-11-08. Review status: criteria provided, single submitter. Criteria: ACMG Guidelines, 2015. Collection method: clinical testing. Allele origin: germline.
Comment: The GPR143 c.112G>A variant is predicted to result in the amino acid substitution p.Gly38Arg. This variant has been reported in an individual with albinism (reported as p.38Gly>Arg, Wilk et al. 2014. PubMed ID: 24845642). This variant is absent in a large population database (gnomAD), indicating this variant is rare. Although we suspect that this variant may be pathogenic, at this time, the clinical significance of this variant is uncertain due to the absence of conclusive functional and genetic evidence.

Blueprint Genetics
Classification: Uncertain significance. Last evaluated: 2022-08-11. Review status: criteria provided, single submitter. Criteria: ACMG Guidelines, 2015. Collection method: clinical testing. Allele origin: germline.

NM_000273.3(GPR143):c.112G>A (p.Gly38Arg)

Gene: GPR143 (G protein-coupled receptor 143; minus strand). Cytogenetic location: Xp22.2.
Variant type: single nucleotide variant.
Coding change: c.112G>A on transcript NM_000273.3 (MANE Select); coding-DNA position 112, G replaced by A.
Protein change: p.Gly38Arg; replaces glycine 38 with arginine.
Molecular consequence: missense variant.
Genome position (GRCh38, 1-based): chrX:9,765,706, C>T on the plus strand (G>A on the coding strand, the complement: GPR143 is on the minus strand). VCF-style: chrX-9765706-C-T. GRCh37 (hg19) VCF-style: chrX-9733746-C-T.
Other names: c.112G>A (NM_000273.2); short protein forms G38R.
Identifiers: ClinVar variation 2008846 (VCV002008846.6), dbSNP rs2518642285, ClinGen allele CA412000711.